The following is an entry in ClinVar:

ClinVar aggregate classification (germline): Uncertain significance (1 of 4 stars; one submission).

Conditions:
PCNT-related disorder. Also called: PCNT-related condition.

gnomAD v4.1: 32 of 1,557,524 alleles (0.0021%); highest among the groups gnomAD compares: East Asian, 0.074%; no homozygotes.

Submission:

PreventionGenetics, part of Exact Sciences
Classification: Uncertain significance for PCNT-related condition. Last evaluated: 2024-10-28. Review status: criteria provided, single submitter. Criteria: ACMG Guidelines, 2015. Collection method: clinical testing. Allele origin: germline.
Comment: The PCNT c.4171A>T variant is predicted to result in the amino acid substitution p.Ser1391Cys. To our knowledge, this variant has not been reported in the literature. This variant is reported in 0.067% of alleles in individuals of East Asian descent in gnomAD. Although we suspect that this variant may be benign, at this time, the clinical significance of this variant is uncertain due to the absence of conclusive functional and genetic evidence.

NM_006031.6(PCNT):c.4171A>T (p.Ser1391Cys)

Gene: PCNT (pericentrin; plus strand). Cytogenetic location: 21q22.3.
Variant type: single nucleotide variant.
Coding change: c.4171A>T on transcript NM_006031.6 (MANE Select); coding-DNA position 4171, A replaced by T.
Protein change: p.Ser1391Cys; replaces serine 1391 with cysteine.
Molecular consequence: missense variant.
Genome position (GRCh38, 1-based): chr21:46,391,331, A>T. VCF-style: chr21-46391331-A-T. GRCh37 (hg19) VCF-style: chr21-47811246-A-T.
Other names: c.3817A>T, p.Ser1273Cys (NM_001315529.2); short protein forms S1391C, S1273C.
Identifiers: ClinVar variation 4977470 (VCV004977470.1).